The following is an entry in ClinVar:

NM_001040142.2(SCN2A):c.5644C>G (p.Arg1882Gly)

Gene: SCN2A (sodium voltage-gated channel alpha subunit 2; plus strand). Cytogenetic location: 2q24.3.
Variant type: single nucleotide variant.
Coding change: c.5644C>G on transcript NM_001040142.2 (MANE Select); coding-DNA position 5644, C replaced by G.
Protein change: p.Arg1882Gly; replaces arginine 1882 with glycine.
Molecular consequence: missense variant.
Genome position (GRCh38, 1-based): chr2:165,389,450, C>G. VCF-style: chr2-165389450-C-G. GRCh37 (hg19) VCF-style: chr2-166245960-C-G.
Other names: p.R1882G:CGA>GGA; NP_001035232.1:p.(Arg1882Gly); c.5644C>G, p.Arg1882Gly (NM_001040143.2, NM_001371246.1, NM_001371247.1 and 1 more transcripts); short protein forms R1882G.
Identifiers: ClinVar variation 207028 (VCV000207028.23), dbSNP rs796053166, ClinGen allele CA318045.
Genomic context (GRCh38, chr2:165,389,450, plus strand): 5'-ACAAAGCGTGTTTTGGGTGAGAGTGGAGAGATGGATGCCCTTCGAATACAGATGGAAGAG[C>G]GATTCATGGCATCAAACCCCTCCAAAGTCTCTTATGAGCCCATTACGACCACGTTGAAAC-3'
Protein context (NP_001035232.1, residues 1872-1892): MDALRIQMEE[Arg1882Gly]FMASNPSKVS

ClinVar aggregate classification (germline): Pathogenic. Review status: criteria provided, multiple submitters, no conflicts (2 of 4 stars). 9 submissions from 9 submitters: Pathogenic (7). 2 of the submissions do not count toward it. Last evaluated 2025-11-21.

Conditions:
Episodic ataxia, type 9. Identifiers: MedGen C5394520, MONDO:0030064, OMIM 618924.
SCN2A-related disorder. Also called: SCN2A-related condition; SCN2A-related disorders. Identifiers: MedGen CN382226, MONDO:1060245.
Developmental and epileptic encephalopathy, 11 (DEE11). Also called: Early infantile epileptic encephalopathy 11. Identifiers: Orphanet 1934, MedGen C3150987, MONDO:0013388, OMIM 613721.
Seizures, benign familial infantile, 3 (BFIS3). Also called: CONVULSIONS, BENIGN FAMILIAL INFANTILE, 3; Familial neonatal seizures. Identifiers: Orphanet 140927, Orphanet 306, MedGen C1843140, MONDO:0011904, OMIM 607745.

Submissions (10):

3billion
Classification: Pathogenic for SCN2A-related disorder. Last evaluated: 2025-11-21. Review status: criteria provided, single submitter. Criteria: ACMG Guidelines, 2015. Collection method: clinical testing. Allele origin: germline. Affected: yes.
Comment: The variant is not observed in the gnomAD v4.1.0 dataset. Predicted Consequence/Location: Missense variant Functional studies provide moderate evidence of the variant having a damaging effect on the gene or gene product (PMID: 26645390). In silico tool predictions suggest damaging effect of the variant on gene or gene product [REVEL: 0.75 (>=0.6, sensitivity 0.68 and specificity 0.92); 3Cnet: 0.94 (> 0.75, sensitivity 0.96 and precision 0.92)]. The same nucleotide change resulting in the same amino acid change has been previously reported as pathogenic/likely pathogenic with strong evidence (ClinVar ID: VCV000207028 /PMID: 26645390). Different missense changes at the same codon (p.Arg1882Gln, p.Arg1882Leu, p.Arg1882Pro) have been reported as pathogenic/likely pathogenic with strong evidence (ClinVar ID: VCV000196039, VCV000207029 /PMID: 23708187, 24579881, 28379373). Therefore, this variant is classified as Pathogenic according to the recommendation of ACMG/AMP guideline.

Revvity Omics, Revvity
Classification: Pathogenic. Last evaluated: 2022-11-11. Review status: criteria provided, single submitter. Criteria: ACMG Guidelines, 2015. Collection method: clinical testing. Allele origin: germline.

GeneDx
Classification: Pathogenic. Last evaluated: 2022-10-11. Review status: criteria provided, single submitter. Criteria: GeneDx Variant Classification Process June 2021. Collection method: clinical testing. Allele origin: germline. Affected: yes.
Comment: Published functional studies demonstrate that the R1882G variant results in a gain of function effect (Schwarz et al., 2016); Not observed at significant frequency in large population cohorts (gnomAD); Missense variants in this gene are often considered pathogenic (HGMD); In silico analysis supports that this missense variant has a deleterious effect on protein structure/function; This substitution is predicted to be within the C-terminal cytoplasmic domain; This variant is associated with the following publications: (PMID: 27328862, 26645390, 32090326)

Unidad de Genómica Garrahan, Hospital de Pediatría Garrahan
Classification: Pathogenic for Developmental and epileptic encephalopathy, 11. Last evaluated: 2022-01-01. Review status: criteria provided, single submitter. Criteria: ACMG Guidelines, 2015. Collection method: clinical testing. Allele origin: germline. Affected: yes. Observed: 1 variant allele.

Pediatrics, MediClubGeorgia
Classification: Pathogenic for Developmental and epileptic encephalopathy, 11. Last evaluated: 2020-10-01. Review status: criteria provided, single submitter. Criteria: ACMG Guidelines, 2015. Collection method: clinical testing. Allele origin: unknown. Inheritance: Autosomal dominant inheritance. Affected: yes. Observed: 1 heterozygote.
Comment: The arginine residue is highly conserved and there is a moderate physicochemical difference between arginine and glycine. This variant is not present in population databases. This variant has been observed in individual(s) with neonatal epilepsy with late-onset episodic ataxia (PMID: 26645390). In at least one individual the variant was observed to be de novo. On ClinVar two submitters evaluated this variant as pathogenic. This variant has been reported to affect SCN2A protein function (PMID: 26645390).

Labcorp Genetics (formerly Invitae), Labcorp
Classification: Pathogenic for Seizures, benign familial infantile, 3; Developmental and epileptic encephalopathy, 11. Last evaluated: 2020-09-02. Review status: criteria provided, single submitter. Criteria: Invitae Variant Classification Sherloc (09022015). Collection method: clinical testing. Allele origin: germline.
Comment: This sequence change replaces arginine with glycine at codon 1882 of the SCN2A protein (p.Arg1882Gly). The arginine residue is highly conserved and there is a moderate physicochemical difference between arginine and glycine. This variant is not present in population databases (ExAC no frequency). This variant has been observed in individual(s) with neonatal epilepsy with late-onset episodic ataxia (PMID: 26645390). In at least one individual the variant was observed to be de novo. ClinVar contains an entry for this variant (Variation ID: 207028). This variant has been reported to affect SCN2A protein function (PMID: 26645390). For these reasons, this variant has been classified as Pathogenic.

Baylor Genetics
Classification: Pathogenic for Developmental and epileptic encephalopathy, 11. Last evaluated: 2018-08-23. Review status: criteria provided, single submitter. Criteria: ACMG Guidelines, 2015. Collection method: clinical testing. Allele origin: de novo. Affected: yes.
Comment: This variant was determined to be pathogenic according to ACMG Guidelines, 2015 [PMID:25741868]. This variant has been previously reported as a de novo change in two unrelated patients with neonatal epilepsy and late-onset episodic ataxia [PMID 26645390].

OMIM
Classification: Pathogenic for EPISODIC ATAXIA, TYPE 9. Last evaluated: 2020-07-08. Review status: no assertion criteria provided. Collection method: literature only. Allele origin: germline. Not counted in ClinVar's aggregate classification.

Channelopathy-Associated Epilepsy Research Center
No classification provided (evidence only). Condition: Complex neurodevelopmental disorder. Review status: no classification provided. Collection method: literature only. Allele origin: not applicable. Functional consequence: Mild hyperpolarizing shift of voltage dependence of activation, Normal slope of activation, Normal slope of fast inactivation, Normal rate of recovery from fast inactivation, Normal voltage dependence of fast inactivation, Normal peak current, Overall gain-of-function. Not counted in ClinVar's aggregate classification.
ClinVar note: "not provided" was previously submitted as the classification for the variant. However, the classification appeared to be based only on an observation of functional data so it was converted to no classification on 2025-07-30.

Cytogénomique, Hospices Civils de Lyon
Classification: Pathogenic for Seizures, benign familial infantile, 3. Review status: no assertion criteria provided. Collection method: clinical testing. Allele origin: unknown. Inheritance: Autosomal dominant inheritance. Affected: yes. Not counted in ClinVar's aggregate classification.

Literature cited by the submitters: PubMed 23708187 (cited by 3billion); PubMed 26645390 (cited by 6 submitters).